The following is an entry in ClinVar:

NM_001035.3(RYR2):c.1613C>T (p.Ala538Val)

Gene: RYR2 (ryanodine receptor 2; plus strand). Cytogenetic location: 1q43.
Variant type: single nucleotide variant.
Coding change: c.1613C>T on transcript NM_001035.3 (MANE Select); coding-DNA position 1613, C replaced by T.
Protein change: p.Ala538Val; replaces alanine 538 with valine.
Molecular consequence: missense variant.
Genome position (GRCh38, 1-based): chr1:237,469,092, C>T. VCF-style: chr1-237469092-C-T. GRCh37 (hg19) VCF-style: chr1-237632392-C-T.
Other names: c.1613C>T, p.Ala538Val (LRG_402t1); short protein forms A538V.
Identifiers: ClinVar variation 463582 (VCV000463582.10), dbSNP rs1461019181, ClinGen allele CA345383565.

ClinVar aggregate classification (germline): Uncertain significance (1 of 4 stars; one submission).

Conditions:
Catecholaminergic polymorphic ventricular tachycardia 1. Also called: VENTRICULAR TACHYCARDIA, STRESS-INDUCED POLYMORPHIC 1; VENTRICULAR TACHYCARDIA, CATECHOLAMINERGIC POLYMORPHIC, 1, WITH OR WITHOUT ATRIAL DYSFUNCTION AND/OR DILATED CARDIOMYOPATHY; RYR2-Related Catecholaminergic Polymorphic Ventricular Tachycardia. Identifiers: Orphanet 3286, MedGen C1631597, MONDO:0011484, OMIM 604772.

Allele frequency attached by ClinVar (database versions not stated): gnomAD exomes below 0.00001; gnomAD 0.00001 and 0.00002; TOPMed 0.00001.
gnomAD v4.1: 7 of 1,611,350 alleles (0.00043%); highest among the groups gnomAD compares: African/African-American, 0.0013%; no homozygotes.

Submission:

Labcorp Genetics (formerly Invitae), Labcorp
Classification: Uncertain significance for Catecholaminergic polymorphic ventricular tachycardia 1. Last evaluated: 2022-07-25. Review status: criteria provided, single submitter. Criteria: Invitae Variant Classification Sherloc (09022015). Collection method: clinical testing. Allele origin: germline.
Comment: In summary, the available evidence is currently insufficient to determine the role of this variant in disease. Therefore, it has been classified as a Variant of Uncertain Significance. This sequence change replaces alanine, which is neutral and non-polar, with valine, which is neutral and non-polar, at codon 538 of the RYR2 protein (p.Ala538Val). This variant is present in population databases (no rsID available, gnomAD 0.01%). This variant has not been reported in the literature in individuals affected with RYR2-related conditions. ClinVar contains an entry for this variant (Variation ID: 463582). Algorithms developed to predict the effect of missense changes on protein structure and function are either unavailable or do not agree on the potential impact of this missense change (SIFT: "Deleterious"; PolyPhen-2: "Benign"; Align-GVGD: "Class C55").